The following is an entry in ClinVar:

NM_199069.2(NDUFAF3):c.74C>T (p.Pro25Leu)

Genes: NDUFAF3 (NADH:ubiquinone oxidoreductase complex assembly factor 3; plus strand), LOC129936729 (ATAC-STARR-seq lymphoblastoid silent region 14349; plus strand). Cytogenetic location: 3p21.31.
Variant type: single nucleotide variant.
Coding change: c.74C>T on transcript NM_199069.2 (MANE Select); coding-DNA position 74, C replaced by T.
Protein change: p.Pro25Leu; replaces proline 25 with leucine.
Molecular consequence: missense variant. On other transcripts: intron variant (3).
Genome position (GRCh38, 1-based): chr3:49,022,218, C>T. VCF-style: chr3-49022218-C-T. GRCh37 (hg19) VCF-style: chr3-49059651-C-T.
Other names: c.-94-128C>T (NM_199074.2, NM_199073.2, NM_199070.2); short protein forms P25L.
Identifiers: ClinVar variation 1207415 (VCV001207415.10), dbSNP rs368575094, ClinGen allele CA2390153.

ClinVar aggregate classification (germline): Conflicting classifications of pathogenicity. Review status: criteria provided, conflicting classifications (1 of 4 stars). 4 submissions from 4 submitters: Uncertain significance (3); Likely benign (1). Last evaluated 2023-12-21.

Conditions:
Mitochondrial complex I deficiency, nuclear type 18. Also called: Mitochondrial complex 1 deficiency, nuclear type 18. Identifiers: MedGen C4748790, MONDO:0032623, OMIM 618240.
Inborn genetic diseases. Identifiers: MedGen C0950123, MeSH D030342.

Allele frequency attached by ClinVar (database versions not stated): gnomAD 0.00002; TOPMed 0.00005; ESP Exome Variant Server 0.00008; ExAC 0.00009; gnomAD exomes 0.00009.
gnomAD v4.1: 136 of 1,610,842 alleles (0.0084%); highest among the groups gnomAD compares: Non-Finnish European, 0.011%; no homozygotes.

Submissions (4):

Ambry Genetics
Classification: Likely benign for Inborn genetic diseases. Last evaluated: 2023-12-21. Review status: criteria provided, single submitter. Criteria: Ambry Variant Classification Scheme 2023. Collection method: clinical testing. Allele origin: germline.

Labcorp Genetics (formerly Invitae), Labcorp
Classification: Uncertain significance. Last evaluated: 2022-10-24. Review status: criteria provided, single submitter. Criteria: Invitae Variant Classification Sherloc (09022015). Collection method: clinical testing. Allele origin: germline.
Comment: This sequence change replaces proline, which is neutral and non-polar, with leucine, which is neutral and non-polar, at codon 25 of the NDUFAF3 protein (p.Pro25Leu). This variant is present in population databases (rs368575094, gnomAD 0.02%). This variant has not been reported in the literature in individuals affected with NDUFAF3-related conditions. ClinVar contains an entry for this variant (Variation ID: 1207415). Algorithms developed to predict the effect of missense changes on protein structure and function output the following: SIFT: "Tolerated"; PolyPhen-2: "Benign"; Align-GVGD: "Class C0". The leucine amino acid residue is found in multiple mammalian species, which suggests that this missense change does not adversely affect protein function. In summary, the available evidence is currently insufficient to determine the role of this variant in disease. Therefore, it has been classified as a Variant of Uncertain Significance.

GeneDx
Classification: Uncertain significance. Last evaluated: 2019-08-06. Review status: criteria provided, single submitter. Criteria: GeneDx Variant Classification Process June 2021. Collection method: clinical testing. Allele origin: germline. Affected: yes.
Comment: In silico analysis, which includes protein predictors and evolutionary conservation, supports that this variant does not alter protein structure/function; Has not been previously published as pathogenic or benign to our knowledge

Revvity Omics, Revvity
Classification: Uncertain significance for Mitochondrial complex I deficiency, nuclear type 18. Last evaluated: 2019-06-10. Review status: criteria provided, single submitter. Criteria: ACMG Guidelines, 2015. Collection method: clinical testing. Allele origin: germline.